The following is an entry in ClinVar:

ClinVar aggregate classification (germline): Uncertain significance. Review status: criteria provided, multiple submitters, no conflicts (2 of 4 stars). 3 submissions from 3 submitters: Uncertain significance (3). Last evaluated 2025-07-24.

Conditions:
CUL4B-related disorder. Also called: CUL4B-related condition.
X-linked intellectual disability Cabezas type (MRXSC). Also called: MENTAL RETARDATION, X-LINKED, SYNDROMIC 15; CABEZAS SYNDROME; Intellectual developmental disorder, X-linked syndromic, Cabezas type. Identifiers: Orphanet 85289, Orphanet 85293, MedGen C1845861, MONDO:0010306, OMIM 300354.

Allele frequency attached by ClinVar (database versions not stated): gnomAD exomes 0.00002.

Submissions (3):

PreventionGenetics, part of Exact Sciences
Classification: Uncertain significance for CUL4B-related condition. Last evaluated: 2025-07-24. Review status: criteria provided, single submitter. Criteria: ACMG Guidelines, 2015. Collection method: clinical testing. Allele origin: germline.
Comment: The CUL4B c.395C>G variant is predicted to result in the amino acid substitution p.Ala132Gly. To our knowledge, this variant has not been reported in the literature or in a large population database (gnomAD), indicating this variant is rare. At this time, the clinical significance of this variant is uncertain due to the absence of conclusive functional and genetic evidence.

Baylor Genetics
Classification: Uncertain significance for X-linked intellectual disability Cabezas type. Last evaluated: 2023-07-26. Review status: criteria provided, single submitter. Criteria: ACMG Guidelines, 2015. Collection method: clinical testing. Allele origin: unknown.

Labcorp Genetics (formerly Invitae), Labcorp
Classification: Uncertain significance for X-linked intellectual disability Cabezas type. Last evaluated: 2023-07-08. Review status: criteria provided, single submitter. Criteria: Invitae Variant Classification Sherloc (09022015). Collection method: clinical testing. Allele origin: germline.
Comment: This sequence change replaces alanine, which is neutral and non-polar, with glycine, which is neutral and non-polar, at codon 132 of the CUL4B protein (p.Ala132Gly). This variant is not present in population databases (gnomAD no frequency). In summary, the available evidence is currently insufficient to determine the role of this variant in disease. Therefore, it has been classified as a Variant of Uncertain Significance. An algorithm developed to predict the effect of missense changes on protein structure and function (PolyPhen-2) suggests that this variant is likely to be tolerated. This variant has not been reported in the literature in individuals affected with CUL4B-related conditions.

NM_001079872.2(CUL4B):c.341C>G (p.Ala114Gly)

Genes: CUL4B (cullin 4B; minus strand), LOC113845788 (Sharpr-MPRA regulatory region 11856; plus strand). Cytogenetic location: Xq24.
Variant type: single nucleotide variant.
Coding change: c.341C>G on transcript NM_001079872.2 (MANE Select); coding-DNA position 341, C replaced by G.
Protein change: p.Ala114Gly; replaces alanine 114 with glycine.
Molecular consequence: missense variant.
Genome position (GRCh38, 1-based): chrX:120,560,298, G>C on the plus strand (C>G on the coding strand, the complement: CUL4B is on the minus strand). VCF-style: chrX-120560298-G-C. GRCh37 (hg19) VCF-style: chrX-119694153-G-C.
Other names: c.395C>G (NM_003588.3); c.356C>G, p.Ala119Gly (NM_001330624.2); c.395C>G, p.Ala132Gly (NM_003588.4); short protein forms A114G, A119G, A132G.
Identifiers: ClinVar variation 2582550 (VCV002582550.5), dbSNP rs969827040, ClinGen allele CA334131540.